The following is an entry in ClinVar:

ClinVar aggregate classification (germline): Uncertain significance. Review status: criteria provided, multiple submitters, no conflicts (2 of 4 stars). 2 submissions from 2 submitters: Uncertain significance (2). Last evaluated 2024-12-28.

Conditions:
von Willebrand disease type 1 (VWD1). Also called: VWD, TYPE 1; VON WILLEBRAND DISEASE, TYPE I. Identifiers: Orphanet 166078, Orphanet 903, MedGen C1264039, MONDO:0008668, OMIM 193400. Inheritance: autosomal recessive or autosomal dominant.

Submissions (2):

GeneDx
Classification: Uncertain significance. Last evaluated: 2024-12-28. Review status: criteria provided, single submitter. Criteria: GeneDx Variant Classification Process June 2021. Collection method: clinical testing. Allele origin: germline. Affected: yes.
Comment: Identified heterozygous in cohorts of individuals with and without bleeding disorders, but specific clinical information was not provided (PMID: 34272389); Not observed at significant frequency in large population cohorts (gnomAD); In silico analysis indicates that this missense variant does not alter protein structure/function; This variant is associated with the following publications: (PMID: 34272389)

Genomic Medicine Center of Excellence, King Faisal Specialist Hospital and Research Centre
Classification: Uncertain significance for von Willebrand disease type 1. Last evaluated: 2021-04-28. Review status: criteria provided, single submitter. Criteria: ACMG Guidelines, 2015. Collection method: research. Allele origin: germline.

NM_000552.5(VWF):c.5694G>C (p.Gln1898His)

Gene: VWF (von Willebrand factor; minus strand). Cytogenetic location: 12p13.31.
Variant type: single nucleotide variant.
Coding change: c.5694G>C on transcript NM_000552.5 (MANE Select); coding-DNA position 5694, G replaced by C.
Protein change: p.Gln1898His; replaces glutamine 1898 with histidine.
Molecular consequence: missense variant.
Genome position (GRCh38, 1-based): chr12:6,011,765, C>G on the plus strand (G>C on the coding strand, the complement: VWF is on the minus strand). VCF-style: chr12-6011765-C-G. GRCh37 (hg19) VCF-style: chr12-6120931-C-G.
Other names: short protein forms Q1898H.
Identifiers: ClinVar variation 1098554 (VCV001098554.3), dbSNP rs1218412177, ClinGen allele CA383493296.